The following is an entry in ClinVar:

ClinVar aggregate classification (germline): Uncertain significance. Review status: criteria provided, multiple submitters, no conflicts (2 of 4 stars). 3 submissions from 3 submitters: Uncertain significance (3). Last evaluated 2025-06-01.

Conditions:
Familial thoracic aortic aneurysm and aortic dissection (TAAD). Also called: Thoracic aortic aneurysms and dissections. Identifiers: Orphanet 91387, MedGen C4707243, MONDO:0019625.
Marfan syndrome (MFS). Also called: Marfan syndrome, classic; Marfan syndrome type 1; Marfan's syndrome; FBN1-Related Marfan Syndrome; MARFAN SYNDROME, TYPE I. Identifiers: Orphanet 284963, Orphanet 558, MedGen C0024796, MONDO:0007947, OMIM 154700.

Allele frequency attached by ClinVar (database versions not stated): gnomAD 0.00001; gnomAD exomes below 0.00001; TOPMed below 0.00001; ExAC 0.00001.

Submissions (3):

GeneDx
Classification: Uncertain significance. Last evaluated: 2025-06-01. Review status: criteria provided, single submitter. Criteria: GeneDx Variant Classification Process June 2021. Collection method: clinical testing. Allele origin: germline. Affected: yes.
Comment: Reported in an individual with suspected Marfan syndrome in published literature (PMID: 31279664); Not observed at significant frequency in large population cohorts (gnomAD); Does not affect a cysteine or calcium-binding residue within an EGF-like domain or a TGF-binding protein domain of the FBN1 gene; cysteine substitutions in the EGF-like domains represent the majority of pathogenic missense changes associated with FBN1-related disorders (PMID: 12938084); In silico analysis suggests that this missense variant does not alter protein structure/function; This variant is associated with the following publications: (PMID: 12938084, 31279664, 38958168)

All of Us Research Program, National Institutes of Health
Classification: Uncertain significance for Marfan syndrome. Last evaluated: 2024-08-06. Review status: criteria provided, single submitter. Criteria: ACMG Guidelines, 2015. Collection method: clinical testing. Allele origin: germline. Inheritance: Autosomal dominant inheritance. Observed: 2 variant alleles, 2 heterozygotes.
Comment: This missense variant replaces asparagine with aspartic acid at codon 2734 of the FBN1 protein. Computational prediction suggests that this variant may not impact protein structure and function (internally defined REVEL score threshold <= 0.5, PMID: 27666373). Splice site prediction tools suggest that this variant may not impact RNA splicing. To our knowledge, functional studies have not been performed for this variant. This variant has been reported in an individual affected with Marfan syndrome (PMID: 31279664). This variant has been identified in 1/251418 chromosomes in the general population by the Genome Aggregation Database (gnomAD). The available evidence is insufficient to determine the role of this variant in disease conclusively. Therefore, this variant is classified as a Variant of Uncertain Significance.

This study involves interpretation of variants in research participants for the purpose of population health screening. Participant phenotype was not available at the time of variant classification. Additional details can be found in publication PMID: 35346344, PMCID: PMC8962531

Color Diagnostics, LLC DBA Color Health
Classification: Uncertain significance for Familial thoracic aortic aneurysm and aortic dissection. Last evaluated: 2019-11-27. Review status: criteria provided, single submitter. Criteria: ACMG Guidelines, 2015. Collection method: clinical testing. Allele origin: germline.
Comment: This missense variant replaces asparagine with aspartic acid at codon 2734 of the FBN1 protein. Computational prediction suggests that this variant may not impact protein structure and function (internally defined REVEL score threshold <= 0.5, PMID: 27666373). Splice site prediction tools suggest that this variant may not impact RNA splicing. To our knowledge, functional studies have not been performed for this variant. This variant has been reported in an individual affected with Marfan syndrome (PMID: 31279664). This variant has been identified in 1/251418 chromosomes in the general population by the Genome Aggregation Database (gnomAD). The available evidence is insufficient to determine the role of this variant in disease conclusively. Therefore, this variant is classified as a Variant of Uncertain Significance.

Literature cited by the submitters: PubMed 31279664 (cited by All of Us Research Program, National Institutes of Health).

NM_000138.5(FBN1):c.8200A>G (p.Asn2734Asp)

Gene: FBN1 (fibrillin 1; minus strand). Cytogenetic location: 15q21.1.
Variant type: single nucleotide variant.
Coding change: c.8200A>G on transcript NM_000138.5 (MANE Select); coding-DNA position 8200, A replaced by G.
Protein change: p.Asn2734Asp; replaces asparagine 2734 with aspartic acid.
Molecular consequence: missense variant.
Genome position (GRCh38, 1-based): chr15:48,412,595, T>C on the plus strand (A>G on the coding strand, the complement: FBN1 is on the minus strand). VCF-style: chr15-48412595-T-C. GRCh37 (hg19) VCF-style: chr15-48704792-T-C.
Other names: short protein forms N2734D.
Identifiers: ClinVar variation 924953 (VCV000924953.6), dbSNP rs757532651, ClinGen allele CA059745.